The following is an entry in ClinVar:

NM_000070.3(CAPN3):c.1701G>A (p.Gly567=)

Gene: CAPN3 (calpain 3; plus strand). Cytogenetic location: 15q15.1.
Variant type: single nucleotide variant.
Coding change: c.1701G>A on transcript NM_000070.3 (MANE Select); coding-DNA position 1701, G replaced by A.
Protein change: p.Gly567=; no amino-acid change (glycine 567 retained).
Molecular consequence: synonymous variant.
Genome position (GRCh38, 1-based): chr15:42,402,958, G>A. VCF-style: chr15-42402958-G-A. GRCh37 (hg19) VCF-style: chr15-42695156-G-A.
Other names: c.1701G>A, p.Gly567= (NM_024344.2); c.1557G>A, p.Gly519= (NM_173087.2); c.165G>A, p.Gly55= (NM_173088.2).
Identifiers: ClinVar variation 680412 (VCV000680412.12), dbSNP rs1595838740, ClinGen allele CA489885160.

ClinVar aggregate classification (germline): Likely benign. Review status: criteria provided, multiple submitters, no conflicts (2 of 4 stars). 2 submissions from 2 submitters: Likely benign (2). Last evaluated 2020-01-16.

Conditions:
Autosomal recessive limb-girdle muscular dystrophy type 2A (LGMDR1). Also called: Limb-girdle muscular dystrophy, type 2A; Calpainopathy; Muscular dystrophy, limb-girdle, type 2A, Amish; LEYDEN-MOEBIUS MUSCULAR DYSTROPHY; MUSCULAR DYSTROPHY, PELVOFEMORAL. Identifiers: Orphanet 267, MedGen C1869123, MONDO:0009675, OMIM 253600. Disease mechanism: loss of function.

Submissions (2):

Labcorp Genetics (formerly Invitae), Labcorp
Classification: Likely benign for Autosomal recessive limb-girdle muscular dystrophy type 2A. Last evaluated: 2020-01-16. Review status: criteria provided, single submitter. Criteria: Invitae Variant Classification Sherloc (09022015). Collection method: clinical testing. Allele origin: germline.

GeneDx
Classification: Likely benign. Last evaluated: 2018-03-15. Review status: criteria provided, single submitter. Criteria: GeneDx Variant Classification (06012015). Collection method: clinical testing. Allele origin: germline. Affected: yes.
Comment: This variant is considered likely benign or benign based on one or more of the following criteria: it is a conservative change, it occurs at a poorly conserved position in the protein, it is predicted to be benign by multiple in silico algorithms, and/or has population frequency not consistent with disease.